The following is an entry in ClinVar:

ClinVar aggregate classification (germline): Uncertain significance. Review status: criteria provided, multiple submitters, no conflicts (2 of 4 stars). 3 submissions from 3 submitters: Uncertain significance (3). Last evaluated 2025-04-15.

Conditions:
Propionic acidemia (PROP). Also called: GLYCINEMIA, KETOTIC; HYPERGLYCINEMIA WITH KETOACIDOSIS AND LEUKOPENIA; KETOTIC HYPERGLYCINEMIA. Identifiers: Orphanet 35, MedGen C0268579, MONDO:0011628, OMIM 606054, HP:0003571.

Allele frequency attached by ClinVar (database versions not stated): TOPMed 0.00004; gnomAD 0.00007; ESP Exome Variant Server 0.00008; ExAC 0.00010; gnomAD exomes 0.00019.
gnomAD v4.1: 286 of 1,614,006 alleles (0.018%); highest among the groups gnomAD compares: Non-Finnish European, 0.02%; no homozygotes.

Submissions (3):

GeneDx
Classification: Uncertain significance. Last evaluated: 2025-04-15. Review status: criteria provided, single submitter. Criteria: GeneDx Variant Classification Process June 2021. Collection method: clinical testing. Allele origin: germline. Affected: yes.
Comment: In silico analysis supports that this missense variant has a deleterious effect on protein structure/function; Has not been previously published as pathogenic or benign to our knowledge

Blueprint Genetics
Classification: Uncertain significance. Last evaluated: 2024-06-11. Review status: criteria provided, single submitter. Criteria: ACMG Guidelines, 2015. Collection method: clinical testing. Allele origin: germline.

Labcorp Genetics (formerly Invitae), Labcorp
Classification: Uncertain significance for Propionic acidemia. Last evaluated: 2022-05-25. Review status: criteria provided, single submitter. Criteria: Invitae Variant Classification Sherloc (09022015). Collection method: clinical testing. Allele origin: germline.
Comment: This sequence change replaces proline, which is neutral and non-polar, with leucine, which is neutral and non-polar, at codon 665 of the PCCA protein (p.Pro665Leu). This variant is present in population databases (rs199994352, gnomAD 0.05%). This variant has not been reported in the literature in individuals affected with PCCA-related conditions. Advanced modeling of protein sequence and biophysical properties (such as structural, functional, and spatial information, amino acid conservation, physicochemical variation, residue mobility, and thermodynamic stability) performed at Invitae indicates that this missense variant is expected to disrupt PCCA protein function. In summary, the available evidence is currently insufficient to determine the role of this variant in disease. Therefore, it has been classified as a Variant of Uncertain Significance.

NM_000282.4(PCCA):c.1994C>T (p.Pro665Leu)

Gene: PCCA (propionyl-CoA carboxylase subunit alpha; plus strand). Cytogenetic location: 13q32.3.
Variant type: single nucleotide variant.
Coding change: c.1994C>T on transcript NM_000282.4 (MANE Select); coding-DNA position 1994, C replaced by T.
Protein change: p.Pro665Leu; replaces proline 665 with leucine.
Molecular consequence: missense variant. On other transcripts: non-coding transcript variant (4), intron variant (2).
Genome position (GRCh38, 1-based): chr13:100,515,521, C>T. VCF-style: chr13-100515521-C-T. GRCh37 (hg19) VCF-style: chr13-101167775-C-T.
Other names: c.1994C>T (NM_000282.3); c.1916C>T, p.Pro639Leu (NM_001127692.3); c.1940C>T, p.Pro647Leu (NM_001352605.2); c.1850C>T, p.Pro617Leu (NM_001352606.2); c.1772C>T, p.Pro591Leu (NM_001352608.2); c.1049C>T, p.Pro350Leu (NM_001352610.2); c.995C>T, p.Pro332Leu (NM_001352611.2); c.905C>T, p.Pro302Leu (NM_001352612.2); and 2 more; short protein forms P639L, P302L, P332L, P350L, P647L, P665L, P591L, P617L.
Identifiers: ClinVar variation 1915266 (VCV001915266.4), dbSNP rs199994352, ClinGen allele CA7033864.